The following is an entry in ClinVar:

NM_000057.4(BLM):c.2863A>C (p.Lys955Gln)

Gene: BLM (BLM RecQ like helicase; plus strand). Cytogenetic location: 15q26.1.
Variant type: single nucleotide variant.
Coding change: c.2863A>C on transcript NM_000057.4 (MANE Select); coding-DNA position 2863, A replaced by C.
Protein change: p.Lys955Gln; replaces lysine 955 with glutamine.
Molecular consequence: missense variant.
Genome position (GRCh38, 1-based): chr15:90,790,688, A>C. VCF-style: chr15-90790688-A-C. GRCh37 (hg19) VCF-style: chr15-91333918-A-C.
Other names: c.2863A>C, p.Lys955Gln (NM_001287246.2, NM_001287247.2); c.1738A>C, p.Lys580Gln (NM_001287248.2); short protein forms K580Q, K955Q.
Identifiers: ClinVar variation 3991658 (VCV003991658.1).

ClinVar aggregate classification (germline): Uncertain significance (1 of 4 stars; one submission).

Conditions:
Hereditary cancer-predisposing syndrome. Also called: Tumor predisposition; Hereditary neoplastic syndrome; Neoplastic Syndromes, Hereditary; Hereditary Cancer Syndrome. Identifiers: Orphanet 140162, MedGen C0027672, MeSH D009386, MONDO:0015356.

Submission:

Ambry Genetics
Classification: Uncertain significance for Hereditary cancer-predisposing syndrome. Last evaluated: 2025-05-02. Review status: criteria provided, single submitter. Criteria: Ambry Variant Classification Scheme 2023. Collection method: clinical testing. Allele origin: germline.
Comment: The p.K955Q variant (also known as c.2863A>C), located in coding exon 14 of the BLM gene, results from an A to C substitution at nucleotide position 2863. The lysine at codon 955 is replaced by glutamine, an amino acid with similar properties. This amino acid position is conserved. In addition, this alteration is predicted to be deleterious by in silico analysis. Based on the available evidence, the clinical significance of this variant remains unclear.